The following is an entry in ClinVar:

ClinVar aggregate classification (germline): Uncertain significance (1 of 4 stars; one submission).

Conditions:
ALG12-congenital disorder of glycosylation (CDG1G). Also called: CDG Ig; Congenital disorder of glycosylation, type Ig; ALG12-CDG. Identifiers: Orphanet 79324, MedGen C2931001, MONDO:0011783, OMIM 607143.

Allele frequency attached by ClinVar (database versions not stated): gnomAD exomes below 0.00001.
gnomAD v4.1: 1 of 1,614,070 alleles (0.000062%); highest among the groups gnomAD compares: African/African-American, 0.0013%; no homozygotes.

Submission:

Labcorp Genetics (formerly Invitae), Labcorp
Classification: Uncertain significance for ALG12-congenital disorder of glycosylation. Last evaluated: 2023-10-08. Review status: criteria provided, single submitter. Criteria: Invitae Variant Classification Sherloc (09022015). Collection method: clinical testing. Allele origin: germline.
Comment: This sequence change replaces threonine, which is neutral and polar, with alanine, which is neutral and non-polar, at codon 31 of the ALG12 protein (p.Thr31Ala). This variant is not present in population databases (gnomAD no frequency). This variant has not been reported in the literature in individuals affected with ALG12-related conditions. Advanced modeling of protein sequence and biophysical properties (such as structural, functional, and spatial information, amino acid conservation, physicochemical variation, residue mobility, and thermodynamic stability) performed at Invitae indicates that this missense variant is not expected to disrupt ALG12 protein function. In summary, the available evidence is currently insufficient to determine the role of this variant in disease. Therefore, it has been classified as a Variant of Uncertain Significance.

NM_024105.4(ALG12):c.91A>G (p.Thr31Ala)

Gene: ALG12 (ALG12 alpha-1,6-mannosyltransferase; minus strand). Cytogenetic location: 22q13.33.
Variant type: single nucleotide variant.
Coding change: c.91A>G on transcript NM_024105.4 (MANE Select); coding-DNA position 91, A replaced by G.
Protein change: p.Thr31Ala; replaces threonine 31 with alanine.
Molecular consequence: missense variant.
Genome position (GRCh38, 1-based): chr22:49,913,675, T>C on the plus strand (A>G on the coding strand, the complement: ALG12 is on the minus strand). VCF-style: chr22-49913675-T-C. GRCh37 (hg19) VCF-style: chr22-50307323-T-C.
Other names: short protein forms T31A.
Identifiers: ClinVar variation 2794057 (VCV002794057.3), dbSNP rs2060594108, ClinGen allele CA412081289.
Genomic context (GRCh38, chr22:49,913,675, plus strand): 5'-CTTGCCAGTGGTAGAGCAGGTCATGTGTGGCCTGCAGGTTGAAGCTCTCCTCCACTTTGG[T>C]GTAGGGACAGATGACCAGGTGGACAGTGGCTACGGCCACCAGCAGCCCCAGCAGCAGGGG-3'
Protein context (NP_077010.1, residues 21-41): ATVHLVICPY[Thr31Ala]KVEESFNLQA